The following is an entry in ClinVar:

ClinVar aggregate classification (germline): Likely pathogenic (1 of 4 stars; one submission).

Submission:

Labcorp Genetics (formerly Invitae), Labcorp
Classification: Likely pathogenic. Last evaluated: 2022-03-28. Review status: criteria provided, single submitter. Criteria: Invitae Variant Classification Sherloc (09022015). Collection method: clinical testing. Allele origin: germline.
Comment: This sequence change affects a donor splice site in intron 4 of the CNGB3 gene. It is expected to disrupt RNA splicing. Variants that disrupt the donor or acceptor splice site typically lead to a loss of protein function (PMID: 16199547), and loss-of-function variants in CNGB3 are known to be pathogenic (PMID: 28795510). In summary, the currently available evidence indicates that the variant is pathogenic, but additional data are needed to prove that conclusively. Therefore, this variant has been classified as Likely Pathogenic. Algorithms developed to predict the effect of sequence changes on RNA splicing suggest that this variant may disrupt the consensus splice site. This variant has not been reported in the literature in individuals affected with CNGB3-related conditions. This variant is not present in population databases (gnomAD no frequency).

Literature cited by the submitters: PubMed 16199547; PubMed 28795510.

NM_019098.5(CNGB3):c.493+1G>A

Gene: CNGB3 (cyclic nucleotide gated channel subunit beta 3; minus strand). Cytogenetic location: 8q21.3.
Variant type: single nucleotide variant.
Coding change: c.493+1G>A on transcript NM_019098.5 (MANE Select); the canonical splice donor site of the intron after coding-DNA position 493, G replaced by A.
Molecular consequence: splice donor variant.
Genome position (GRCh38, 1-based): chr8:86,670,943, C>T on the plus strand (G>A on the coding strand, the complement: CNGB3 is on the minus strand). VCF-style: chr8-86670943-C-T. GRCh37 (hg19) VCF-style: chr8-87683171-C-T.
Identifiers: ClinVar variation 2118781 (VCV002118781.4), dbSNP rs2131618846, ClinGen allele CA371450021.
Genomic context (GRCh38, chr8:86,670,943, plus strand): 5'-GCAAAACACAGGTCCCCTCAGCACTTCTTTCTTCCCAGTACTTGGAGGGAGCAATGCTTA[C>T]CAGTTTGTGGGCTGGCTTCGGGTGAGGAGAGATCTCCCTCTACCAACTTTTTCTTGTAGA-3'